The following is an entry in ClinVar:

NM_005343.4(HRAS):c.111+6C>T

Genes: HRAS (HRas proto-oncogene, GTPase; minus strand), LRRC56 (leucine rich repeat containing 56; plus strand). Cytogenetic location: 11p15.5.
Variant type: single nucleotide variant.
Coding change: c.111+6C>T on transcript NM_005343.4 (MANE Select); 6 bases into the intron after coding-DNA position 111, C replaced by T.
Molecular consequence: intron variant.
Genome position (GRCh38, 1-based): chr11:534,206, G>A on the plus strand (C>T on the coding strand, the complement: HRAS is on the minus strand). VCF-style: chr11-534206-G-A. GRCh37 (hg19) VCF-style: chr11-534206-G-A.
Other names: c.111+6C>T (NM_001130442.3, NM_176795.5); c.-209+6C>T (NM_001318054.2).
Identifiers: ClinVar variation 240132 (VCV000240132.10), dbSNP rs377130570, ClinGen allele CA5779424.
Genomic context (GRCh38, chr11:534,206, plus strand): 5'-ATCCTGGCTGTGTCCTGGGCTCGCCCGCAGCAGCTGCTGGCACCTGGACGGCGGCGCCAG[G>A]CTCACCTCTATAGTGGGGTCGTATTCGTCCACAAAATGGTTCTGGATCAGCTGGATGGTC-3'

ClinVar aggregate classification (germline): Uncertain significance. Review status: criteria provided, multiple submitters, no conflicts (2 of 4 stars). 2 submissions from 2 submitters: Uncertain significance (2). Last evaluated 2025-12-15.

Conditions:
Costello syndrome (CSTLO). Also called: HRAS-Related Costello Syndrome; FACIOCUTANEOSKELETAL SYNDROME; FCS SYNDROME. Identifiers: Orphanet 3071, MedGen C0587248, MONDO:0009026, OMIM 218040.
Cardiovascular phenotype. Identifiers: MedGen CN230736.

Allele frequency attached by ClinVar (database versions not stated): ESP Exome Variant Server 0.00008; gnomAD exomes 0.00001; TOPMed 0.00001; ExAC 0.00002; gnomAD 0.00002.
gnomAD v4.1: 102 of 1,603,614 alleles (0.0064%); highest among the groups gnomAD compares: Non-Finnish European, 0.008%; no homozygotes.

Submissions (2):

Labcorp Genetics (formerly Invitae), Labcorp
Classification: Uncertain significance for Costello syndrome. Last evaluated: 2025-12-15. Review status: criteria provided, single submitter. Criteria: Invitae Variant Classification Sherloc (09022015). Collection method: clinical testing. Allele origin: germline.
Comment: This sequence change falls in intron 2 of the HRAS gene. It does not directly change the encoded amino acid sequence of the HRAS protein. It affects a nucleotide within the consensus splice site. This variant is present in population databases (rs377130570, gnomAD 0.003%). This variant has not been reported in the literature in individuals affected with HRAS-related conditions. ClinVar contains an entry for this variant (Variation ID: 240132). Variants that disrupt the consensus splice site are a relatively common cause of aberrant splicing (PMID: 17576681, 9536098). Algorithms developed to predict the effect of sequence changes on RNA splicing suggest that this variant is not likely to affect RNA splicing. In summary, the available evidence is currently insufficient to determine the role of this variant in disease. Therefore, it has been classified as a Variant of Uncertain Significance.

Ambry Genetics
Classification: Uncertain significance for Cardiovascular phenotype. Last evaluated: 2021-10-09. Review status: criteria provided, single submitter. Criteria: Ambry Variant Classification Scheme 2023. Collection method: clinical testing. Allele origin: germline.
Comment: The c.111+6C>T intronic alteration consists of a C to T substitution nucleotides after coding exon 1 in the HRAS gene. Based on insufficient or conflicting evidence, the clinical significance of this alteration remains unclear.

Literature cited by the submitters: PubMed 17576681 (cited by Labcorp Genetics (formerly Invitae), Labcorp); PubMed 9536098 (cited by Labcorp Genetics (formerly Invitae), Labcorp).